The following is an entry in ClinVar:

NM_017775.4(TTC19):c.*1012T>C

Gene: TTC19 (tetratricopeptide repeat domain 19; plus strand). Cytogenetic location: 17p12.
Variant type: single nucleotide variant.
Coding change: c.*1012T>C on transcript NM_017775.4 (MANE Select); 1012 bases downstream of the stop codon, T replaced by C.
Molecular consequence: 3 prime UTR variant.
Genome position (GRCh38, 1-based): chr17:16,028,534, T>C. VCF-style: chr17-16028534-T-C. GRCh37 (hg19) VCF-style: chr17-15931848-T-C.
Other names: c.*1012T>C (NM_001271420.2).
Identifiers: ClinVar variation 889321 (VCV000889321.4), dbSNP rs57322947, ClinGen allele CA8407682.

ClinVar aggregate classification (germline): Benign (1 of 4 stars; one submission).

Conditions:
Mitochondrial complex III deficiency nuclear type 2. Identifiers: MedGen C3554605, MONDO:0014063, OMIM 615157.

Allele frequency attached by ClinVar (database versions not stated): ExAC 0.00149; gnomAD exomes 0.00219 and 0.00357; 1000 Genomes Project 0.01837; gnomAD 0.01846 and 0.01995; TOPMed 0.02119; 1000 Genomes Project 30x 0.02155.
gnomAD v4.1: 3,470 of 454,034 alleles (0.76%); highest among the groups gnomAD compares: African/African-American, 6.4%; 106 homozygotes.

Submission:

Illumina Laboratory Services, Illumina
Classification: Benign for Mitochondrial complex III deficiency nuclear type 2. Last evaluated: 2017-04-27. Review status: criteria provided, single submitter. Criteria: ICSL Variant Classification Criteria 13 December 2019. Collection method: clinical testing. Allele origin: germline.
Comment: This variant was observed as part of a predisposition screen in an ostensibly healthy population. A literature search was performed for the gene, cDNA change, and amino acid change (where applicable). No publications were found based on this search. Allele frequency data from public databases was too high to be consistent with this variant causing disease. Therefore, this variant is classified as benign.